The following is an entry in ClinVar:

ClinVar aggregate classification (germline): Uncertain significance. Review status: criteria provided, single submitter (1 of 4 stars). 2 submissions from 2 submitters: Uncertain significance (1). 1 of the submissions does not count toward it. Last evaluated 2018-01-13.

Conditions:
Autosomal recessive congenital ichthyosis 2 (ARCI2). Identifiers: Orphanet 281122, Orphanet 79394, MedGen C3888093, MONDO:0009439, OMIM 242100.
ALOX12B-related disorder. Also called: ALOX12B-related condition.

Allele frequency attached by ClinVar (database versions not stated): gnomAD 0.00002 and 0.00011; TOPMed 0.00003; gnomAD exomes 0.00012; 1000 Genomes Project 30x 0.00016; ExAC 0.00016; 1000 Genomes Project 0.00020.
gnomAD v4.1: 458 of 1,614,156 alleles (0.028%); highest among the groups gnomAD compares: East Asian, 1%; 5 homozygotes.

Submissions (2):

Illumina Laboratory Services, Illumina
Classification: Uncertain significance for Autosomal recessive congenital ichthyosis 2. Last evaluated: 2018-01-13. Review status: criteria provided, single submitter. Criteria: ICSL Variant Classification Criteria 13 December 2019. Collection method: clinical testing. Allele origin: germline.

PreventionGenetics, part of Exact Sciences
Classification: Likely benign for ALOX12B-related condition. Last evaluated: 2019-05-31. Review status: no assertion criteria provided. Collection method: clinical testing. Allele origin: germline. Not counted in ClinVar's aggregate classification.
Comment: This variant is classified as likely benign based on ACMG/AMP sequence variant interpretation guidelines (Richards et al. 2015 PMID: 25741868, with internal and published modifications).

NM_001139.3(ALOX12B):c.561C>T (p.Leu187=)

Gene: ALOX12B (arachidonate 12-lipoxygenase, 12R type; minus strand). Cytogenetic location: 17p13.1.
Variant type: single nucleotide variant.
Coding change: c.561C>T on transcript NM_001139.3 (MANE Select); coding-DNA position 561, C replaced by T.
Protein change: p.Leu187=; no amino-acid change (leucine 187 retained).
Molecular consequence: synonymous variant.
Genome position (GRCh38, 1-based): chr17:8,080,747, G>A on the plus strand (C>T on the coding strand, the complement: ALOX12B is on the minus strand). VCF-style: chr17-8080747-G-A. GRCh37 (hg19) VCF-style: chr17-7984065-G-A.
Other names: c.561C>T, p.Leu187= (LRG_1264t1).
Identifiers: ClinVar variation 325888 (VCV000325888.7), dbSNP rs201081065, ClinGen allele CA8367612.